The following is an entry in ClinVar:

ClinVar aggregate classification (germline): Benign/Likely benign. Review status: criteria provided, multiple submitters, no conflicts (2 of 4 stars). 3 submissions from 3 submitters: Benign (2); Likely benign (1). Last evaluated 2026-01-05.

Conditions:
Leukoencephalopathy-thalamus and brainstem anomalies-high lactate syndrome. Also called: Combined oxidative phosphorylation deficiency 12; LEUKOENCEPHALOPATHY WITH THALAMUS AND BRAINSTEM INVOLVEMENT AND HIGH LACTATE. Identifiers: Orphanet 314051, MedGen C4706421, MONDO:0013971, OMIM 614924.

Allele frequency attached by ClinVar (database versions not stated): gnomAD exomes 0.00039; ExAC 0.00051; gnomAD 0.00167 and 0.00173; ESP Exome Variant Server 0.00189; TOPMed 0.00199; 1000 Genomes Project 0.00300; 1000 Genomes Project 30x 0.00312.
gnomAD v4.1: 476 of 1,614,078 alleles (0.029%); highest among the groups gnomAD compares: African/African-American, 0.57%; 1 homozygote.

Submissions (3):

Labcorp Genetics (formerly Invitae), Labcorp
Classification: Benign. Last evaluated: 2026-01-05. Review status: criteria provided, single submitter. Criteria: Invitae Variant Classification Sherloc (09022015). Collection method: clinical testing. Allele origin: germline.

Illumina Laboratory Services, Illumina
Classification: Likely benign for Leukoencephalopathy-thalamus and brainstem anomalies-high lactate syndrome. Last evaluated: 2018-01-12. Review status: criteria provided, single submitter. Criteria: ICSL Variant Classification Criteria 13 December 2019. Collection method: clinical testing. Allele origin: germline.
Comment: This variant was observed in the ICSL laboratory as part of a predisposition screen in an ostensibly healthy population. It had not been previously curated by ICSL or reported in the Human Gene Mutation Database (HGMD: prior to June 1st, 2018), and was therefore a candidate for classification through an automated scoring system. Utilizing variant allele frequency, disease prevalence and penetrance estimates, and inheritance mode, an automated score was calculated to assess if this variant is too frequent to cause the disease. Based on the score and internal cut-off values, a variant classified as likely benign is not then subjected to further curation. The score for this variant resulted in a classification of likely benign for this disease.

GeneDx
Classification: Benign. Last evaluated: 2015-08-20. Review status: criteria provided, single submitter. Criteria: GeneDx Variant Classification (06012015). Collection method: clinical testing. Allele origin: germline. Affected: yes.
Comment: This variant is considered likely benign or benign based on one or more of the following criteria: it is a conservative change, it occurs at a poorly conserved position in the protein, it is predicted to be benign by multiple in silico algorithms, and/or has population frequency not consistent with disease.

NM_001083614.2(EARS2):c.1317G>A (p.Ser439=)

Gene: EARS2 (glutamyl-tRNA synthetase 2, mitochondrial; minus strand). Cytogenetic location: 16p12.2.
Variant type: single nucleotide variant.
Coding change: c.1317G>A on transcript NM_001083614.2 (MANE Select); coding-DNA position 1317, G replaced by A.
Protein change: p.Ser439=; no amino-acid change (serine 439 retained).
Molecular consequence: synonymous variant. On other transcripts: non-coding transcript variant (1).
Genome position (GRCh38, 1-based): chr16:23,529,537, C>T on the plus strand (G>A on the coding strand, the complement: EARS2 is on the minus strand). VCF-style: chr16-23529537-C-T. GRCh37 (hg19) VCF-style: chr16-23540858-C-T.
Other names: c.1317G>A, p.Ser439= (NM_001308211.1).
Identifiers: ClinVar variation 318545 (VCV000318545.14), dbSNP rs74014932, ClinGen allele CA7962353.